The following is an entry in ClinVar:

ClinVar aggregate classification (germline): Likely benign (1 of 4 stars; one submission).

Conditions:
TRADD-related disorder. Also called: TRADD-related condition.

gnomAD v4.1: 121 of 1,597,692 alleles (0.0076%); highest among the groups gnomAD compares: East Asian, 0.23%; no homozygotes.

Submission:

PreventionGenetics, part of Exact Sciences
Classification: Likely benign for TRADD-related condition. Last evaluated: 2025-06-20. Review status: criteria provided, single submitter. Criteria: ACMG Guidelines, 2015. Collection method: clinical testing. Allele origin: germline.
Comment: This variant is classified as likely benign based on ACMG/AMP sequence variant interpretation guidelines (Richards et al. 2015 PMID: 25741868, with internal and published modifications).

NM_003789.4(TRADD):c.389C>A (p.Ala130Glu)

Gene: TRADD (TNFRSF1A associated via death domain; minus strand). Cytogenetic location: 16q22.1.
Variant type: single nucleotide variant.
Coding change: c.389C>A on transcript NM_003789.4 (MANE Select); coding-DNA position 389, C replaced by A.
Protein change: p.Ala130Glu; replaces alanine 130 with glutamic acid.
Molecular consequence: missense variant.
Genome position (GRCh38, 1-based): chr16:67,155,417, G>T on the plus strand (C>A on the coding strand, the complement: TRADD is on the minus strand). VCF-style: chr16-67155417-G-T. GRCh37 (hg19) VCF-style: chr16-67189320-G-T.
Other names: c.389C>A, p.Ala130Glu (NM_001323552.2); short protein forms A130E.
Identifiers: ClinVar variation 4981566 (VCV004981566.1).